The following is an entry in ClinVar:

ClinVar aggregate classification (germline): Uncertain significance. Review status: criteria provided, single submitter (1 of 4 stars). 2 submissions from 2 submitters: Uncertain significance (1). 1 of the submissions does not count toward it. Last evaluated 2025-08-12.

Conditions:
XIRP1-related disorder. Also called: XIRP1-related condition.

Allele frequency attached by ClinVar (database versions not stated): ExAC 0.00044; gnomAD 0.00154; TOPMed 0.00159; ESP Exome Variant Server 0.00169; 1000 Genomes Project 0.00200; 1000 Genomes Project 30x 0.00219.
gnomAD v4.1: 464 of 1,614,146 alleles (0.029%); highest among the groups gnomAD compares: African/African-American, 0.51%; no homozygotes.

Submissions (2):

Ambry Genetics
Classification: Uncertain significance. Last evaluated: 2025-08-12. Review status: criteria provided, single submitter. Criteria: Ambry Variant Classification Scheme 2023. Collection method: clinical testing. Allele origin: germline.

PreventionGenetics, part of Exact Sciences
Classification: Likely benign for XIRP1-related condition. Last evaluated: 2023-03-28. Review status: no assertion criteria provided. Collection method: clinical testing. Allele origin: germline. Not counted in ClinVar's aggregate classification.
Comment: This variant is classified as likely benign based on ACMG/AMP sequence variant interpretation guidelines (Richards et al. 2015 PMID: 25741868, with internal and published modifications).

NM_194293.4(XIRP1):c.5102T>C (p.Leu1701Pro)

Gene: XIRP1 (xin actin binding repeat containing 1; minus strand). Cytogenetic location: 3p22.2.
Variant type: single nucleotide variant.
Coding change: c.5102T>C on transcript NM_194293.4 (MANE Select); coding-DNA position 5102, T replaced by C.
Protein change: p.Leu1701Pro; replaces leucine 1701 with proline.
Molecular consequence: missense variant. On other transcripts: 3 prime UTR variant (1).
Genome position (GRCh38, 1-based): chr3:39,184,344, A>G on the plus strand (T>C on the coding strand, the complement: XIRP1 is on the minus strand). VCF-style: chr3-39184344-A-G. GRCh37 (hg19) VCF-style: chr3-39225835-A-G.
Other names: c.*1309T>C (NM_001198621.4); c.1151T>C, p.Leu384Pro (NM_001351377.2); short protein forms L1701P, L384P.
Identifiers: ClinVar variation 3035363 (VCV003035363.3), dbSNP rs144145444, ClinGen allele CA2325716.